The following is an entry in ClinVar:

ClinVar aggregate classification (germline): Likely benign (1 of 4 stars; one submission).

Allele frequency attached by ClinVar (database versions not stated): TOPMed below 0.00001.
gnomAD v4.1: 12 of 1,612,820 alleles (0.00074%); highest among the groups gnomAD compares: Middle Eastern, 0.05%; no homozygotes.

Submission:

CeGaT Center for Human Genetics Tuebingen
Classification: Likely benign. Last evaluated: 2023-09-01. Review status: criteria provided, single submitter. Criteria: CeGaT Center For Human Genetics Tuebingen Variant Classification Criteria Version 2. Collection method: clinical testing. Allele origin: germline. Affected: yes. Observed: 1 variant allele.
Comment: KDM5B: BP4, BP7

NM_006618.5(KDM5B):c.2635C>T (p.Leu879=)

Gene: KDM5B (lysine demethylase 5B; minus strand). Cytogenetic location: 1q32.1.
Variant type: single nucleotide variant.
Coding change: c.2635C>T on transcript NM_006618.5 (MANE Select); coding-DNA position 2635, C replaced by T.
Protein change: p.Leu879=; no amino-acid change (leucine 879 retained).
Molecular consequence: synonymous variant.
Genome position (GRCh38, 1-based): chr1:202,741,677, G>A on the plus strand (C>T on the coding strand, the complement: KDM5B is on the minus strand). VCF-style: chr1-202741677-G-A. GRCh37 (hg19) VCF-style: chr1-202710805-G-A.
Other names: c.2743C>T, p.Leu915= (NM_001314042.2); c.2500C>T, p.Leu834= (NM_001347591.2); c.2620C>T, p.Leu874= (NM_001399817.1).
Identifiers: ClinVar variation 2639795 (VCV002639795.24), dbSNP rs776833453, ClinGen allele CA35578512.